The following is an entry in ClinVar:

ClinVar aggregate classification (germline): Uncertain significance (1 of 4 stars; one submission).

Allele frequency attached by ClinVar (database versions not stated): gnomAD exomes below 0.00001.
gnomAD v4.1: 1 of 1,209,027 alleles (0.000083%); highest among the groups gnomAD compares: Admixed American, 0.0022%; no homozygotes.

Submission:

GeneDx
Classification: Uncertain significance. Last evaluated: 2019-10-07. Review status: criteria provided, single submitter. Criteria: GeneDx Variant Classification Process June 2021. Collection method: clinical testing. Allele origin: germline. Affected: yes.
Comment: Not observed in large population cohorts (Lek et al., 2016); In silico analysis, which includes protein predictors and evolutionary conservation, supports that this variant does not alter protein structure/function; Has not been previously published as pathogenic or benign to our knowledge

NM_018684.4(ZC4H2):c.*9A>G

Gene: ZC4H2 (zinc finger C4H2-type containing; minus strand). Cytogenetic location: Xq11.2.
Variant type: single nucleotide variant.
Coding change: c.*9A>G on transcript NM_018684.4 (MANE Select); 9 bases downstream of the stop codon, A replaced by G.
Molecular consequence: 3 prime UTR variant. On other transcripts: missense variant (1), non-coding transcript variant (1).
Genome position (GRCh38, 1-based): chrX:64,917,774, T>C on the plus strand (A>G on the coding strand, the complement: ZC4H2 is on the minus strand). VCF-style: chrX-64917774-T-C. GRCh37 (hg19) VCF-style: chrX-64137654-T-C.
Other names: c.*9A>G (NM_001178032.3, NM_001243804.2); c.521A>G, p.Glu174Gly (NM_001178033.3); short protein forms E174G.
Identifiers: ClinVar variation 1308742 (VCV001308742.2), dbSNP rs2147345575, ClinGen allele CA413410954.